The following is an entry in ClinVar:

NM_173728.4(ARHGEF15):c.832C>G (p.Leu278Val)

Gene: ARHGEF15 (Rho guanine nucleotide exchange factor 15; plus strand). Cytogenetic location: 17p13.1.
Variant type: single nucleotide variant.
Coding change: c.832C>G on transcript NM_173728.4 (MANE Select); coding-DNA position 832, C replaced by G.
Protein change: p.Leu278Val; replaces leucine 278 with valine.
Molecular consequence: missense variant.
Genome position (GRCh38, 1-based): chr17:8,313,152, C>G. VCF-style: chr17-8313152-C-G. GRCh37 (hg19) VCF-style: chr17-8216470-C-G.
Other names: c.832C>G, p.Leu278Val (NM_025014.2); short protein forms L278V.
Identifiers: ClinVar variation 4774343 (VCV004774343.1).

ClinVar aggregate classification (germline): Uncertain significance (1 of 4 stars; one submission).

Conditions:
Early-infantile DEE. Also called: Ohtahara syndrome; Early infantile epileptic encephalopathy with suppression bursts; Early infantile epileptic encephalopathy. Identifiers: Orphanet 1934, MedGen C0393706, MONDO:0800491.

gnomAD v4.1: 8 of 1,612,836 alleles (0.0005%); highest among the groups gnomAD compares: South Asian, 0.0077%; no homozygotes.

Submission:

Labcorp Genetics (formerly Invitae), Labcorp
Classification: Uncertain significance for Early-infantile DEE. Last evaluated: 2025-08-25. Review status: criteria provided, single submitter. Criteria: Invitae Variant Classification Sherloc (09022015). Collection method: clinical testing. Allele origin: germline.
Comment: This sequence change replaces leucine, which is neutral and non-polar, with valine, which is neutral and non-polar, at codon 278 of the ARHGEF15 protein (p.Leu278Val). This variant is not present in population databases (gnomAD no frequency). This variant has not been reported in the literature in individuals affected with ARHGEF15-related conditions. An algorithm developed to predict the effect of missense changes on protein structure and function (PolyPhen-2) suggests that this variant is likely to be disruptive. In summary, the available evidence is currently insufficient to determine the role of this variant in disease. Therefore, it has been classified as a Variant of Uncertain Significance.